The following is an entry in ClinVar:

ClinVar aggregate classification (germline): Uncertain significance (1 of 4 stars; one submission).

Conditions:
EVC-related disorder. Also called: EVC-related disorders; EVC-related condition.

Submission:

PreventionGenetics, part of Exact Sciences
Classification: Uncertain significance for EVC-related condition. Last evaluated: 2026-06-01. Review status: criteria provided, single submitter. Criteria: ACMG Guidelines, 2015. Collection method: clinical testing. Allele origin: germline.
Comment: The EVC c.1345_1346delinsGA variant is predicted to result in an in-frame deletion and insertion. To our knowledge, this variant has not been reported in the literature or in a large population database (gnomAD), indicating this variant is rare. At this time, the clinical significance of this variant is uncertain due to the absence of conclusive functional and genetic evidence.

NM_153717.3(EVC):c.1345_1346delinsGA (p.Thr449Glu)

Gene: EVC (EvC ciliary complex subunit 1; plus strand). Cytogenetic location: 4p16.2.
Variant type: Indel.
Coding change: c.1345_1346delinsGA on transcript NM_153717.3 (MANE Select); coding-DNA positions 1345 to 1346, AC replaced by GA.
Protein change: p.Thr449Glu; replaces threonine 449 with glutamic acid.
Molecular consequence: missense variant.
Genome position (GRCh38, 1-based): chr4:5,753,814-5,753,815, AC replaced by GA. VCF-style: chr4-5753814-AC-GA. GRCh37 (hg19) VCF-style: chr4-5755541-AC-GA.
Other names: c.1345_1346delinsGA, p.Thr449Glu (NM_001306090.2, NM_001306092.2); short protein forms T449E.
Identifiers: ClinVar variation 4994084 (VCV004994084.1).
Genomic context (GRCh38, chr4:5,753,814, plus strand): 5'-CCTCCTATGCTGTGGCTTTTTTCAATCCCAGAGTTTGTCCAGCGAGGCAAAGACCTGGTC[AC>GA]GGCGTCTCTGGCTCACCAGGTGGAGGGAACGGCAAAACTCACGCTGGCCCAAGAGGAGGA-3'
Protein context (NP_714928.1, residues 439-459): EFVQRGKDLV[Thr449Glu]ASLAHQVEGT